The following is an entry in ClinVar:

ClinVar aggregate classification (germline): Likely benign. Review status: criteria provided, multiple submitters, no conflicts (2 of 4 stars). 2 submissions from 2 submitters: Likely benign (2). Last evaluated 2024-10-14.

Conditions:
RP1L1-related disorder. Also called: RP1L1-related condition.

gnomAD v4.1: 92 of 1,612,218 alleles (0.0057%); highest among the groups gnomAD compares: Non-Finnish European, 0.007%; no homozygotes.

Submissions (2):

PreventionGenetics, part of Exact Sciences
Classification: Likely benign for RP1L1-related condition. Last evaluated: 2024-10-14. Review status: criteria provided, single submitter. Criteria: ACMG Guidelines, 2015. Collection method: clinical testing. Allele origin: germline.
Comment: This variant is classified as likely benign based on ACMG/AMP sequence variant interpretation guidelines (Richards et al. 2015 PMID: 25741868, with internal and published modifications).

Blueprint Genetics
Classification: Likely benign. Last evaluated: 2023-12-18. Review status: criteria provided, single submitter. Criteria: ACMG Guidelines, 2015. Collection method: clinical testing. Allele origin: germline.

NM_178857.6(RP1L1):c.2493G>A (p.Thr831=)

Gene: RP1L1 (RP1 like 1). Cytogenetic location: 8p23.1.
Variant type: single nucleotide variant.
Coding change: c.2493G>A on transcript NM_178857.6 (MANE Select); coding-DNA position 2493, G replaced by A.
Protein change: p.Thr831=; no amino-acid change (threonine 831 retained).
Molecular consequence: synonymous variant.
Genome position (GRCh38, 1-based): chr8:10,611,605, C>T on the plus strand (G>A on the coding strand, the complement: RP1L1 is on the minus strand). VCF-style: chr8-10611605-C-T. GRCh37 (hg19) VCF-style: chr8-10469115-C-T.
Other names: c.2493G>A (NM_178857.5).
Identifiers: ClinVar variation 4899291 (VCV004899291.2).
Genomic context (GRCh38, chr8:10,611,605, plus strand): 5'-CCTGCCACACAGCCAGCTAGCCTCAGGGGAGGGTCCCCGCTGGGCCTCTTGGGCCGGCTG[C>T]GTCCCAGGCTGTGAGCAGCAGTGGCTTCGGTGGGGGCCCACCGCCCCTTGCTCAGGCCGT-3'
Protein context (NP_849188.4, residues 821-841): HRSHCCSQPG[Thr831=]QPAQEAQRGP